The following is an entry in ClinVar:

NM_001184.4(ATR):c.3704A>G (p.His1235Arg)

Gene: ATR (ATR checkpoint kinase; minus strand). Cytogenetic location: 3q23.
Variant type: single nucleotide variant.
Coding change: c.3704A>G on transcript NM_001184.4 (MANE Select); coding-DNA position 3704, A replaced by G.
Protein change: p.His1235Arg; replaces histidine 1235 with arginine.
Molecular consequence: missense variant.
Genome position (GRCh38, 1-based): chr3:142,538,503, T>C on the plus strand (A>G on the coding strand, the complement: ATR is on the minus strand). VCF-style: chr3-142538503-T-C. GRCh37 (hg19) VCF-style: chr3-142257345-T-C.
Other names: c.3512A>G, p.His1171Arg (NM_001354579.2); short protein forms H1171R, H1235R.
Identifiers: ClinVar variation 1734126 (VCV001734126.4), dbSNP rs1042237689, ClinGen allele CA84734045.

ClinVar aggregate classification (germline): Uncertain significance. Review status: criteria provided, multiple submitters, no conflicts (2 of 4 stars). 2 submissions from 2 submitters: Uncertain significance (2). Last evaluated 2024-03-06.

Conditions:
Inborn genetic diseases. Identifiers: MedGen C0950123, MeSH D030342.

Allele frequency attached by ClinVar (database versions not stated): TOPMed below 0.00001; gnomAD 0.00001; gnomAD exomes 0.00001.
gnomAD v4.1: 4 of 1,612,830 alleles (0.00025%); highest among the groups gnomAD compares: Non-Finnish European, 0.00034%; no homozygotes.

Submissions (2):

Labcorp Genetics (formerly Invitae), Labcorp
Classification: Uncertain significance. Last evaluated: 2024-03-06. Review status: criteria provided, single submitter. Criteria: Invitae Variant Classification Sherloc (09022015). Collection method: clinical testing. Allele origin: germline.
Comment: This sequence change replaces histidine, which is basic and polar, with arginine, which is basic and polar, at codon 1235 of the ATR protein (p.His1235Arg). This variant is present in population databases (no rsID available, gnomAD 0.0009%). This variant has not been reported in the literature in individuals affected with ATR-related conditions. ClinVar contains an entry for this variant (Variation ID: 1734126). An algorithm developed to predict the effect of missense changes on protein structure and function (PolyPhen-2) suggests that this variant is likely to be tolerated. In summary, the available evidence is currently insufficient to determine the role of this variant in disease. Therefore, it has been classified as a Variant of Uncertain Significance.

Ambry Genetics
Classification: Uncertain significance for Inborn genetic diseases. Last evaluated: 2022-03-20. Review status: criteria provided, single submitter. Criteria: Ambry Variant Classification Scheme 2023. Collection method: clinical testing. Allele origin: germline.
Comment: The p.H1235R variant (also known as c.3704A>G), located in coding exon 19 of the ATR gene, results from an A to G substitution at nucleotide position 3704. The histidine at codon 1235 is replaced by arginine, an amino acid with highly similar properties. This amino acid position is conserved. In addition, this alteration is predicted to be tolerated by in silico analysis. Since supporting evidence is limited at this time, the clinical significance of this alteration remains unclear.